The following is an entry in ClinVar:

ClinVar aggregate classification (germline): Uncertain significance (1 of 4 stars; one submission).

Conditions:
Warsaw breakage syndrome (WABS). Also called: DDX11-Related Cohesinopathy. Identifiers: Orphanet 280558, MedGen C3150658, MONDO:0013252, OMIM 613398.

gnomAD v4.1: 5 of 1,613,858 alleles (0.00031%); highest among the groups gnomAD compares: East Asian, 0.0022%; no homozygotes.

Submission:

Juno Genomics, Hangzhou Juno Genomics, Inc
Classification: Uncertain significance for Warsaw breakage syndrome. Review status: criteria provided, single submitter. Criteria: ACMG Guidelines, 2015. Collection method: clinical testing. Allele origin: germline.
Comment: Absent from controls (or at extremely low frequency if recessive) in Genome Aggregation Database.;Multiple lines of computational evidence support a deleterious effect on the gene or gene product.

NM_030653.4(DDX11):c.806A>G (p.Asn269Ser)

Gene: DDX11 (DEAD/H-box helicase 11; plus strand). Cytogenetic location: 12p11.21.
Variant type: single nucleotide variant.
Coding change: c.806A>G on transcript NM_030653.4 (MANE Select); coding-DNA position 806, A replaced by G.
Protein change: p.Asn269Ser; replaces asparagine 269 with serine.
Molecular consequence: missense variant. On other transcripts: 5 prime UTR variant (2), non-coding transcript variant (4), intron variant (1).
Genome position (GRCh38, 1-based): chr12:31,089,416, A>G. VCF-style: chr12-31089416-A-G. GRCh37 (hg19) VCF-style: chr12-31242350-A-G.
Other names: c.806A>G, p.Asn269Ser (NM_001257144.2, NM_001413692.1, NM_001413693.1 and 5 more transcripts); c.728A>G, p.Asn243Ser (NM_001257145.2, NM_001413697.1, NM_001413698.1 and 1 more transcripts); c.719A>G, p.Asn240Ser (NM_001413700.1); c.278A>G, p.Asn93Ser (NM_001413702.1, NM_001413703.1); c.-56A>G (NM_001413704.1, NM_001413705.1); c.-87+265A>G (NM_001413706.1); short protein forms N240S, N243S, N269S, N93S.
Identifiers: ClinVar variation 5019293 (VCV005019293.2).